The following is an entry in ClinVar:

ClinVar aggregate classification (germline): Uncertain significance. Review status: criteria provided, multiple submitters, no conflicts (2 of 4 stars). 2 submissions from 2 submitters: Uncertain significance (2). Last evaluated 2025-11-10.

Conditions:
Hereditary cancer-predisposing syndrome. Also called: Hereditary Cancer Syndrome; Hereditary neoplastic syndrome; Neoplastic Syndromes, Hereditary; Tumor predisposition. Identifiers: Orphanet 140162, MedGen C0027672, MeSH D009386, MONDO:0015356.

Allele frequency attached by ClinVar (database versions not stated): gnomAD exomes below 0.00001; TOPMed below 0.00001; gnomAD 0.00001.
gnomAD v4.1: 3 of 1,613,928 alleles (0.00019%); highest among the groups gnomAD compares: African/African-American, 0.004%; no homozygotes.

Submissions (2):

Labcorp Genetics (formerly Invitae), Labcorp
Classification: Uncertain significance. Last evaluated: 2025-11-10. Review status: criteria provided, single submitter. Criteria: Invitae Variant Classification Sherloc (09022015). Collection method: clinical testing. Allele origin: germline.
Comment: This sequence change replaces alanine, which is neutral and non-polar, with aspartic acid, which is acidic and polar, at codon 566 of the POLE protein (p.Ala566Asp). This variant is present in population databases (no rsID available, gnomAD 0.01%). This variant has not been reported in the literature in individuals affected with POLE-related conditions. ClinVar contains an entry for this variant (Variation ID: 1449596). Invitae Evidence Modeling of protein sequence and biophysical properties (such as structural, functional, and spatial information, amino acid conservation, physicochemical variation, residue mobility, and thermodynamic stability) indicates that this missense variant is expected to disrupt POLE protein function with a positive predictive value of 80%. In summary, the available evidence is currently insufficient to determine the role of this variant in disease. Therefore, it has been classified as a Variant of Uncertain Significance.

Ambry Genetics
Classification: Uncertain significance for Hereditary cancer-predisposing syndrome. Last evaluated: 2023-12-07. Review status: criteria provided, single submitter. Criteria: Ambry Variant Classification Scheme 2023. Collection method: clinical testing. Allele origin: germline.
Comment: The p.A566D variant (also known as c.1697C>A), located in coding exon 16 of the POLE gene, results from a C to A substitution at nucleotide position 1697. The alanine at codon 566 is replaced by aspartic acid, an amino acid with dissimilar properties. This amino acid position is conserved. In addition, the in silico prediction for this alteration is inconclusive. Since supporting evidence is limited at this time, the clinical significance of this alteration remains unclear.

NM_006231.4(POLE):c.1697C>A (p.Ala566Asp)

Gene: POLE (DNA polymerase epsilon, catalytic subunit; minus strand). Cytogenetic location: 12q24.33.
Variant type: single nucleotide variant.
Coding change: c.1697C>A on transcript NM_006231.4 (MANE Select); coding-DNA position 1697, C replaced by A.
Protein change: p.Ala566Asp; replaces alanine 566 with aspartic acid.
Molecular consequence: missense variant.
Genome position (GRCh38, 1-based): chr12:132,672,312, G>T on the plus strand (C>A on the coding strand, the complement: POLE is on the minus strand). VCF-style: chr12-132672312-G-T. GRCh37 (hg19) VCF-style: chr12-133248898-G-T.
Other names: short protein forms A566D.
Identifiers: ClinVar variation 1449596 (VCV001449596.10), dbSNP rs1276389760, ClinGen allele CA387356405.